The following is an entry in ClinVar:

NM_019108.4(SMG9):c.193C>T (p.Pro65Ser)

Gene: SMG9 (SMG9 nonsense mediated mRNA decay factor; minus strand). Cytogenetic location: 19q13.31.
Variant type: single nucleotide variant.
Coding change: c.193C>T on transcript NM_019108.4 (MANE Select); coding-DNA position 193, C replaced by T.
Protein change: p.Pro65Ser; replaces proline 65 with serine.
Molecular consequence: missense variant.
Genome position (GRCh38, 1-based): chr19:43,748,010, G>A on the plus strand (C>T on the coding strand, the complement: SMG9 is on the minus strand). VCF-style: chr19-43748010-G-A. GRCh37 (hg19) VCF-style: chr19-44252162-G-A.
Other names: short protein forms P65S.
Identifiers: ClinVar variation 2572760 (VCV002572760.1), dbSNP rs763335310, ClinGen allele CA9491591.

ClinVar aggregate classification (germline): Uncertain significance (1 of 4 stars; one submission).

Allele frequency attached by ClinVar (database versions not stated): TOPMed below 0.00001; ExAC 0.00001.

Submission:

GeneDx
Classification: Uncertain significance. Last evaluated: 2023-07-14. Review status: criteria provided, single submitter. Criteria: GeneDx Variant Classification Process June 2021. Collection method: clinical testing. Allele origin: germline. Affected: yes.
Comment: Not observed at significant frequency in large population cohorts (gnomAD); In silico analysis supports that this missense variant does not alter protein structure/function; Has not been previously published as pathogenic or benign to our knowledge